The following is an entry in ClinVar:

ClinVar aggregate classification (germline): Likely benign. Review status: criteria provided, multiple submitters, no conflicts (2 of 4 stars). 2 submissions from 2 submitters: Likely benign (2). Last evaluated 2026-02-17.

Conditions:
Charcot-Marie-Tooth disease dominant intermediate B (CMTDIB). Also called: CHARCOT-MARIE-TOOTH NEUROPATHY, DOMINANT INTERMEDIATE B; Charcot-Marie-Tooth disease dominant intermediate 1; CMT DI1; Charcot-Marie-Tooth disease dominant intermediate I. Identifiers: Orphanet 100044, Orphanet 228179, MedGen C1847902, MONDO:0011674, OMIM 606482.
DNM2-related disorder. Also called: DNM2-related condition.

Allele frequency attached by ClinVar (database versions not stated): gnomAD exomes below 0.00001; ExAC 0.00002.
gnomAD v4.1: 3 of 1,614,244 alleles (0.00019%); highest among the groups gnomAD compares: East Asian, 0.0067%; no homozygotes.

Submissions (2):

PreventionGenetics, part of Exact Sciences
Classification: Likely benign for DNM2-related condition. Last evaluated: 2026-02-17. Review status: criteria provided, single submitter. Criteria: ACMG Guidelines, 2015. Collection method: clinical testing. Allele origin: germline.
Comment: This variant is classified as likely benign based on ACMG/AMP sequence variant interpretation guidelines (Richards et al. 2015 PMID: 25741868, with internal and published modifications).

Labcorp Genetics (formerly Invitae), Labcorp
Classification: Likely benign for Charcot-Marie-Tooth disease dominant intermediate B. Last evaluated: 2024-08-03. Review status: criteria provided, single submitter. Criteria: Invitae Variant Classification Sherloc (09022015). Collection method: clinical testing. Allele origin: germline.

NM_001005361.3(DNM2):c.1923C>T (p.Asn641=)

Gene: DNM2 (dynamin 2; plus strand). Cytogenetic location: 19p13.2.
Variant type: single nucleotide variant.
Coding change: c.1923C>T on transcript NM_001005361.3 (MANE Select); coding-DNA position 1923, C replaced by T.
Protein change: p.Asn641=; no amino-acid change (asparagine 641 retained).
Molecular consequence: synonymous variant.
Genome position (GRCh38, 1-based): chr19:10,825,086, C>T. VCF-style: chr19-10825086-C-T. GRCh37 (hg19) VCF-style: chr19-10935762-C-T.
Other names: c.1923C>T, p.Asn641= (NM_001005360.3, NM_001190716.2); c.1911C>T, p.Asn637= (NM_001005362.3, NM_004945.4).
Identifiers: ClinVar variation 1996789 (VCV001996789.5), dbSNP rs753267618, ClinGen allele CA9201452.